The following is an entry in ClinVar:

ClinVar aggregate classification (germline): Conflicting classifications of pathogenicity. Review status: criteria provided, conflicting classifications (1 of 4 stars). 3 submissions from 3 submitters: Uncertain significance (2); Benign (1). Last evaluated 2025-05-22.

Conditions:
Hereditary breast ovarian cancer syndrome. Also called: Hereditary breast and ovarian cancer syndrome (HBOC); Hereditary breast and ovarian cancer syndrome; Breast and ovarian cancer; Hereditary breast and/or ovarian cancer syndrome; Hereditary breast and ovarian cancer; BRCA1- and BRCA2-Associated Hereditary Breast and Ovarian Cancer. Identifiers: Orphanet 145, MedGen C0677776, MeSH D061325, MONDO:0003582. Disease mechanism: loss of function.
Hereditary cancer-predisposing syndrome. Also called: Neoplastic Syndromes, Hereditary; Hereditary Cancer Syndrome; Hereditary neoplastic syndrome; Tumor predisposition. Identifiers: Orphanet 140162, MedGen C0027672, MeSH D009386, MONDO:0015356.

Submissions (3):

Ambry Genetics
Classification: Benign for Hereditary cancer-predisposing syndrome. Last evaluated: 2025-05-22. Review status: criteria provided, single submitter. Criteria: Ambry Variant Classification Scheme 2023. Collection method: clinical testing. Allele origin: germline.

Color Diagnostics, LLC DBA Color Health
Classification: Uncertain significance for Hereditary cancer-predisposing syndrome. Last evaluated: 2023-12-04. Review status: criteria provided, single submitter. Criteria: ACMG Guidelines, 2015. Collection method: clinical testing. Allele origin: germline.
Comment: This missense variant replaces tyrosine with histidine at codon 2977 of the BRCA2 protein. Computational prediction suggests that this variant may not impact protein structure and function (internally defined REVEL score threshold <= 0.5, PMID: 27666373). To our knowledge, functional studies have not been reported for this variant. This variant has not been reported in individuals affected with BRCA2-related disorders in the literature. This variant has not been identified in the general population by the Genome Aggregation Database (gnomAD). The available evidence is insufficient to determine the role of this variant in disease conclusively. Therefore, this variant is classified as a Variant of Uncertain Significance.

Labcorp Genetics (formerly Invitae), Labcorp
Classification: Uncertain significance for Hereditary breast ovarian cancer syndrome. Last evaluated: 2017-02-15. Review status: criteria provided, single submitter. Criteria: Invitae Variant Classification Sherloc (09022015). Collection method: clinical testing. Allele origin: germline.
Comment: This variant is not present in population databases (ExAC no frequency) and has not been reported in the literature in individuals with a BRCA2-related disease. In summary, this variant is a novel missense change with uncertain impact on protein function. It has been classified as a Variant of Uncertain Significance. Algorithms developed to predict the effect of missense changes on protein structure and function do not agree on the potential impact of this missense change (SIFT: "Deleterious"; PolyPhen-2: "Possibly Damaging"; Align-GVGD: "Class C0"). This sequence change replaces tyrosine with histidine at codon 2977 of the BRCA2 protein (p.Tyr2977His). The tyrosine residue is highly conserved and there is a moderate physicochemical difference between tyrosine and histidine.

NM_000059.4(BRCA2):c.8929T>C (p.Tyr2977His)

Gene: BRCA2 (BRCA2 DNA repair associated; plus strand). Cytogenetic location: 13q13.1.
Variant type: single nucleotide variant.
Coding change: c.8929T>C on transcript NM_000059.4 (MANE Select); coding-DNA position 8929, T replaced by C.
Protein change: p.Tyr2977His; replaces tyrosine 2977 with histidine.
Molecular consequence: missense variant.
Genome position (GRCh38, 1-based): chr13:32,379,491, T>C. VCF-style: chr13-32379491-T-C. GRCh37 (hg19) VCF-style: chr13-32953628-T-C.
Other names: short protein forms Y2977H.
Identifiers: ClinVar variation 462506 (VCV000462506.18), dbSNP rs587776473, ClinGen allele CA387757299.
Genomic context (GRCh38, chr13:32,379,491, plus strand): 5'-CAAAAGGAACAAGGTTTATCAAGGGATGTCACAACCGTGTGGAAGTTGCGTATTGTAAGC[T>C]ATTCAAAAAAAGAAAAAGATTCAGGTAAGTATGTAAATGCTTTGTTTTTATCAGTTTTAT-3'
Protein context (NP_000050.3, residues 2967-2987): TTVWKLRIVS[Tyr2977His]SKKEKDSVIL